The following is an entry in ClinVar:

ClinVar aggregate classification (germline): Pathogenic/Likely pathogenic. Review status: criteria provided, multiple submitters, no conflicts (2 of 4 stars). 4 submissions from 4 submitters: Pathogenic (1); Likely pathogenic (1). 2 of the submissions do not count toward it. Last evaluated 2025-07-17.

Conditions:
AMELX-related disorder. Also called: AMELX-related condition.
Amelogenesis imperfecta type 1E. Also called: ENAMEL HYPOPLASIA, X-LINKED 1; Amelogenesis imperfecta X-linked 1; Enamel hypoplasia X-linked; Amelogenesis imperfecta, hypomaturation type, with snow-capped teeth; Amelogenesis Imperfecta, Hypoplastic/Hypomaturation, X-Linked 1. Identifiers: Orphanet 88661, MedGen C1845053, MONDO:0010521, OMIM 301200. Disease mechanism: loss of function.

Submissions (4):

GeneDx
Classification: Pathogenic. Last evaluated: 2025-07-17. Review status: criteria provided, single submitter. Criteria: GeneDx Variant Classification Process June 2021. Collection method: clinical testing. Allele origin: germline. Affected: yes.
Comment: Published functional studies demonstrate a damaging effect causing decreased degradation of amelogenin by MMP20 resulting in altered mineralization (PMID: 21081224, 18434575, 31239344); Not observed at significant frequency in large population cohorts (gnomAD); In silico analysis supports that this missense variant has a deleterious effect on protein structure/function; This variant is associated with the following publications: (PMID: 18390542, 11922869, 22243262, 20929860, 18434575, 17384027, 20923441, 16674655, 10669095, 11005731, 15892947, 21127961, 12952177, 16838342, 21597265, 9188994, 16674656, 31239344, 21081224)

Blueprint Genetics
Classification: Likely pathogenic for AMELX-related disorders. Last evaluated: 2021-05-04. Review status: criteria provided, single submitter. Criteria: ACMG Guidelines, 2015. Collection method: clinical testing. Allele origin: germline. Affected: yes. Observed: 1 variant allele.

PreventionGenetics, part of Exact Sciences
Classification: Pathogenic for AMELX-related condition. Last evaluated: 2024-09-27. Review status: no assertion criteria provided. Collection method: clinical testing. Allele origin: germline. Not counted in ClinVar's aggregate classification.
Comment: The AMELX c.208C>A variant is predicted to result in the amino acid substitution p.Pro70Thr. This variant, alternatively referred to as P41T in the literature and c.166C>A (p.Pro56Thr) in ClinVar, has been reported to segregate in multiple families with amelogenesis imperfecta (AI) (Collier et al. 1997. PubMed ID: 9188994; Ravassipour et al. 2000. PubMed ID: 11005731; Hart et al. 2000. PubMed ID: 10669095; Chan et al. 2011. PubMed ID: 22243262). Affected individuals present with a distinct and consistent hypomaturation form of AI. Functional studies demonstrate protein instability and decreased binding affinity for amelogenin (Tanimoto et al. 2008. PubMed ID: 18434575; Lakshminarayanan et al. 2010. PubMed ID: 20929860). This variant has not been reported in a large population database, indicating this variant is rare. This variant is interpreted as pathogenic.

OMIM
Classification: Pathogenic for AMELOGENESIS IMPERFECTA, TYPE 1E. Last evaluated: 2002-04-01. Review status: no assertion criteria provided. Collection method: literature only. Allele origin: germline. Not counted in ClinVar's aggregate classification.

Literature cited by the submitters: PubMed 5225441 (cited by OMIM); PubMed 4623931 (cited by OMIM); PubMed 9188994 (cited by OMIM); PubMed 10669095 (cited by OMIM); PubMed 11922868 (cited by OMIM).

NM_001142.2(AMELX):c.166C>A (p.Pro56Thr)

Genes: AMELX (amelogenin X-linked; plus strand), ARHGAP6 (Rho GTPase activating protein 6; minus strand). Cytogenetic location: Xp22.2.
Variant type: single nucleotide variant.
Coding change: c.166C>A on transcript NM_001142.2 (MANE Select); coding-DNA position 166, C replaced by A.
Protein change: p.Pro56Thr; replaces proline 56 with threonine.
Molecular consequence: missense variant. On other transcripts: intron variant (3).
Genome position (GRCh38, 1-based): chrX:11,298,569, C>A. VCF-style: chrX-11298569-C-A. GRCh37 (hg19) VCF-style: chrX-11316689-C-A.
Other names: c.208C>A, p.Pro70Thr (NM_182680.1); c.118C>A, p.Pro40Thr (NM_182681.1); c.589-43862G>T (NM_013427.3, NM_006125.3); c.49-43862G>T (NM_001287242.2); short protein forms P70T, P40T, P56T.
Identifiers: ClinVar variation 11142 (VCV000011142.9), dbSNP rs104894736, ClinGen allele CA121373.